The following is an entry in ClinVar:

NM_012134.3(LMOD1):c.680G>A (p.Arg227His)

Gene: LMOD1 (leiomodin 1; minus strand). Cytogenetic location: 1q32.1.
Variant type: single nucleotide variant.
Coding change: c.680G>A on transcript NM_012134.3 (MANE Select); coding-DNA position 680, G replaced by A.
Protein change: p.Arg227His; replaces arginine 227 with histidine.
Molecular consequence: missense variant.
Genome position (GRCh38, 1-based): chr1:201,900,333, C>T on the plus strand (G>A on the coding strand, the complement: LMOD1 is on the minus strand). VCF-style: chr1-201900333-C-T. GRCh37 (hg19) VCF-style: chr1-201869461-C-T.
Other names: short protein forms R227H.
Identifiers: ClinVar variation 3352436 (VCV003352436.1).

ClinVar aggregate classification (germline): Likely benign (0 of 4 stars; one submission).

Conditions:
LMOD1-related condition.

gnomAD v4.1: 579 of 1,585,090 alleles (0.037%); highest among the groups gnomAD compares: East Asian, 0.46%; 3 homozygotes.

Submission:

PreventionGenetics, part of Exact Sciences
Classification: Likely benign for LMOD1-related condition. Last evaluated: 2024-07-17. Review status: no assertion criteria provided. Collection method: clinical testing. Allele origin: germline.
Comment: This variant is classified as likely benign based on ACMG/AMP sequence variant interpretation guidelines (Richards et al. 2015 PMID: 25741868, with internal and published modifications).